The following is an entry in ClinVar:

NM_002474.3(MYH11):c.523C>G (p.Leu175Val)

Gene: MYH11 (myosin heavy chain 11; minus strand). Cytogenetic location: 16p13.11.
Variant type: single nucleotide variant.
Coding change: c.523C>G on transcript NM_002474.3 (MANE Select); coding-DNA position 523, C replaced by G.
Protein change: p.Leu175Val; replaces leucine 175 with valine.
Molecular consequence: missense variant.
Genome position (GRCh38, 1-based): chr16:15,798,667, G>C on the plus strand (C>G on the coding strand, the complement: MYH11 is on the minus strand). VCF-style: chr16-15798667-G-C. GRCh37 (hg19) VCF-style: chr16-15892524-G-C.
Other names: c.523C>G, p.Leu175Val (NM_001040113.2, NM_001040114.2, NM_022844.3); short protein forms L175V.
Identifiers: ClinVar variation 5025075 (VCV005025075.1).
Genomic context (GRCh38, chr16:15,798,667, plus strand): 5'-TTAAAAAAAAAAAAAAACAAAAAAAAAACAGAAGAAAAAGCAGTTCCACTTACGTGCATA[G>C]AATGGACTGGTCCTCCCGATCTGCAAACAGAAAGAAGAAAAAAGAGCCATGAATTAAAAT-3'
Protein context (NP_002465.1, residues 165-185): MLQDREDQSI[Leu175Val]CTGESGAGKT

ClinVar aggregate classification (germline): Uncertain significance (1 of 4 stars; one submission).

Conditions:
Familial thoracic aortic aneurysm and aortic dissection (TAAD). Also called: Thoracic aortic aneurysms and dissections. Identifiers: Orphanet 91387, MedGen C4707243, MONDO:0019625.

Submission:

Ambry Genetics
Classification: Uncertain significance for Familial thoracic aortic aneurysm and aortic dissection. Last evaluated: 2026-07-04. Review status: criteria provided, single submitter. Criteria: Ambry Variant Classification Scheme 2023. Collection method: clinical testing. Allele origin: germline.
Comment: The p.L175V variant (also known as c.523C>G), located in coding exon 3 of the MYH11 gene, results from a C to G substitution at nucleotide position 523. The leucine at codon 175 is replaced by valine, an amino acid with highly similar properties. This amino acid position is conserved. In addition, the in silico prediction for this alteration is inconclusive. Based on the available evidence, the clinical significance of this variant remains unclear.